The following is an entry in ClinVar:

ClinVar aggregate classification (germline): Uncertain significance (1 of 4 stars; one submission).

Submission:

Labcorp Genetics (formerly Invitae), Labcorp
Classification: Uncertain significance. Last evaluated: 2023-08-04. Review status: criteria provided, single submitter. Criteria: Invitae Variant Classification Sherloc (09022015). Collection method: clinical testing. Allele origin: germline.
Comment: In summary, the available evidence is currently insufficient to determine the role of this variant in disease. Therefore, it has been classified as a Variant of Uncertain Significance. An algorithm developed to predict the effect of missense changes on protein structure and function (PolyPhen-2) suggests that this variant is likely to be disruptive. ClinVar contains an entry for this variant (Variation ID: 1928223). This variant has not been reported in the literature in individuals affected with WHRN-related conditions. This variant is not present in population databases (gnomAD no frequency). This sequence change replaces arginine, which is basic and polar, with tryptophan, which is neutral and slightly polar, at codon 88 of the WHRN protein (p.Arg88Trp).

NM_015404.4(WHRN):c.262C>T (p.Arg88Trp)

Gene: WHRN (whirlin; minus strand). Cytogenetic location: 9q32.
Variant type: single nucleotide variant.
Coding change: c.262C>T on transcript NM_015404.4 (MANE Select); coding-DNA position 262, C replaced by T.
Protein change: p.Arg88Trp; replaces arginine 88 with tryptophan.
Molecular consequence: missense variant.
Genome position (GRCh38, 1-based): chr9:114,504,540, G>A on the plus strand (C>T on the coding strand, the complement: WHRN is on the minus strand). VCF-style: chr9-114504540-G-A. GRCh37 (hg19) VCF-style: chr9-117266820-G-A.
Other names: c.262C>T, p.Arg88Trp (NM_001173425.2); short protein forms R88W.
Identifiers: ClinVar variation 1928223 (VCV001928223.5), dbSNP rs2493921198, ClinGen allele CA374613385.